The following is an entry in ClinVar:

NM_003664.5(AP3B1):c.1874C>G (p.Thr625Ser)

Gene: AP3B1 (adaptor related protein complex 3 subunit beta 1; minus strand). Cytogenetic location: 5q14.1.
Variant type: single nucleotide variant.
Coding change: c.1874C>G on transcript NM_003664.5 (MANE Select); coding-DNA position 1874, C replaced by G.
Protein change: p.Thr625Ser; replaces threonine 625 with serine.
Molecular consequence: missense variant.
Genome position (GRCh38, 1-based): chr5:78,128,124, G>C on the plus strand (C>G on the coding strand, the complement: AP3B1 is on the minus strand). VCF-style: chr5-78128124-G-C. GRCh37 (hg19) VCF-style: chr5-77423948-G-C.
Other names: c.1727C>G, p.Thr576Ser (NM_001271769.2); c.1874C>G, p.Thr625Ser (NM_001410752.1); short protein forms T576S, T625S.
Identifiers: ClinVar variation 2889690 (VCV002889690.1), dbSNP rs1239457788, ClinGen allele CA360187150.
Genomic context (GRCh38, chr5:78,128,124, plus strand): 5'-TCGGGCGCCACCTCTGGCCAATTAGATAATTCCAGGTACCCAGTAGCTTTAATGTTGAGA[G>C]TATGAGATAAGGTGCCAAGCTGGAAATGATCTCTATCTATTAAAAATAGGGAAAAATATA-3'
Protein context (NP_003655.3, residues 615-635): DHFQLGTLSH[Thr625Ser]LNIKATGYLE

ClinVar aggregate classification (germline): Uncertain significance (1 of 4 stars; one submission).

Conditions:
Hermansky-Pudlak syndrome 2 (HPS2). Also called: Platelet defects and oculocutaneous albinism. Identifiers: Orphanet 183678, Orphanet 79430, MedGen C1842362, MONDO:0011997, OMIM 608233.

gnomAD v4.1: 4 of 1,612,078 alleles (0.00025%); highest among the groups gnomAD compares: Non-Finnish European, 0.00034%; no homozygotes.

Submission:

Labcorp Genetics (formerly Invitae), Labcorp
Classification: Uncertain significance for Hermansky-Pudlak syndrome 2. Last evaluated: 2023-08-03. Review status: criteria provided, single submitter. Criteria: Invitae Variant Classification Sherloc (09022015). Collection method: clinical testing. Allele origin: germline.
Comment: In summary, the available evidence is currently insufficient to determine the role of this variant in disease. Therefore, it has been classified as a Variant of Uncertain Significance. An algorithm developed to predict the effect of missense changes on protein structure and function (PolyPhen-2) suggests that this variant¬†is likely to be tolerated. This variant has not been reported in the literature in individuals affected with AP3B1-related conditions. This variant is not present in population databases (gnomAD no frequency). This sequence change replaces threonine, which is neutral and polar, with serine, which is neutral and polar, at codon 625 of the AP3B1 protein (p.Thr625Ser).